The following is an entry in ClinVar:

NM_020975.6(RET):c.1798C>T (p.Arg600Trp)

Gene: RET (ret proto-oncogene; plus strand). Cytogenetic location: 10q11.21.
Variant type: single nucleotide variant.
Coding change: c.1798C>T on transcript NM_020975.6 (MANE Select); coding-DNA position 1798, C replaced by T.
Protein change: p.Arg600Trp; replaces arginine 600 with tryptophan.
Molecular consequence: missense variant.
Genome position (GRCh38, 1-based): chr10:43,113,594, C>T. VCF-style: chr10-43113594-C-T. GRCh37 (hg19) VCF-style: chr10-43609042-C-T.
Other names: c.1798C>T, p.Arg600Trp (NM_000323.2, NM_001406743.1, NM_001406744.1 and 6 more transcripts); c.1036C>T, p.Arg346Trp (NM_001355216.2); c.1669C>T, p.Arg557Trp (NM_001406761.1, NM_001406762.1, NM_001406764.1 and 1 more transcripts); c.1510C>T, p.Arg504Trp (NM_001406766.1, NM_001406767.1, NM_001406770.1); c.1072C>T, p.Arg358Trp (NM_001406777.1, NM_001406778.1, NM_001406775.1 and 1 more transcripts); c.901C>T, p.Arg301Trp (NM_001406779.1, NM_001406780.1, NM_001406781.1 and 2 more transcripts); c.772C>T, p.Arg258Trp (NM_001406783.1, NM_001406786.1); c.808C>T, p.Arg270Trp (NM_001406784.1); and 5 more; short protein forms R600W, R346W, R301W, R358W, R425W, R504W, R557W, R258W.
Identifiers: ClinVar variation 477327 (VCV000477327.18), dbSNP rs745418960, ClinGen allele CA035694.

ClinVar aggregate classification (germline): Conflicting classifications of pathogenicity. Review status: criteria provided, conflicting classifications (1 of 4 stars). 9 submissions from 6 submitters: Uncertain significance (8); Likely benign (1). Last evaluated 2025-12-31.

Conditions:
Hereditary cancer-predisposing syndrome. Also called: Hereditary Cancer Syndrome; Hereditary neoplastic syndrome; Tumor predisposition; Neoplastic Syndromes, Hereditary. Identifiers: Orphanet 140162, MedGen C0027672, MeSH D009386, MONDO:0015356.
Pheochromocytoma. Also called: MAX-Related Hereditary Paraganglioma-Pheochromocytoma Syndrome. Identifiers: Orphanet 29072, MedGen C0031511, MONDO:0008233, OMIM 171300, HP:0002666.
Familial medullary thyroid carcinoma (MTC). Also called: Familial Medullary Thyroid Carcinoma (FMTC); Thyroid cancer, familial medullary; MTC, familial. Identifiers: Orphanet 653, Orphanet 99361, MedGen C1833921, MONDO:0007958, OMIM 155240.
Multiple endocrine neoplasia type 2A. Also called: Multiple Endocrine Neoplasia Type 2A (MEN2A); MULTIPLE ENDOCRINE NEOPLASIA, TYPE IIA; PTC SYNDROME; SIPPLE SYNDROME; MEN 2A; MEN-2A syndrome. Identifiers: Orphanet 247698, Orphanet 653, MedGen C0025268, MeSH D018813, MONDO:0008234, OMIM 171400.
Hirschsprung disease, susceptibility to, 1 (HSCR1). Also called: RET-Related Hirschsprung Disease. Identifiers: Orphanet 388, MedGen C3888239, MONDO:0007723, OMIM 142623.
Multiple endocrine neoplasia type 2B. Also called: WAGENMANN-FROBOESE SYNDROME; MULTIPLE ENDOCRINE NEOPLASIA, TYPE III; MUCOSAL NEUROMA SYNDROME; Multiple Endocrine Neoplasia Type 2B (MEN2B); Multiple endocrine neoplasia, type 3; MULTIPLE ENDOCRINE NEOPLASIA, TYPE IIB. Identifiers: Orphanet 247709, Orphanet 653, MedGen C0025269, MeSH D018814, MONDO:0008082, OMIM 162300.
Renal hypodysplasia/aplasia 1 (RHDA1). Also called: RENAL APLASIA; HEREDITARY RENAL APLASIA. Identifiers: Orphanet 411709, MedGen C1619700, MONDO:0024519, OMIM 191830.
Familial hyperparathyroidism or Hypocalciuric hypercalcaemia.
Multiple endocrine neoplasia, type 2 (MEN2). Identifiers: Orphanet 653, MedGen C4048306, MONDO:0019003. Disease mechanism: gain of function.
Multiple endocrine neoplasia. Identifiers: Orphanet 276161, MedGen C0027662, MONDO:0017169.

Allele frequency attached by ClinVar (database versions not stated): gnomAD exomes below 0.00001 and 0.00001; TOPMed 0.00001; ExAC 0.00001; gnomAD 0.00001.
gnomAD v4.1: 17 of 1,611,714 alleles (0.0011%); highest among the groups gnomAD compares: South Asian, 0.012%; no homozygotes.

Submissions (9):

Labcorp Genetics (formerly Invitae), Labcorp
Classification: Uncertain significance for Multiple endocrine neoplasia, type 2. Last evaluated: 2025-12-31. Review status: criteria provided, single submitter. Criteria: Invitae Variant Classification Sherloc (09022015). Collection method: clinical testing. Allele origin: germline.
Comment: This sequence change replaces arginine, which is basic and polar, with tryptophan, which is neutral and slightly polar, at codon 600 of the RET protein (p.Arg600Trp). This variant is present in population databases (rs745418960, gnomAD 0.003%). This variant has not been reported in the literature in individuals affected with RET-related conditions. ClinVar contains an entry for this variant (Variation ID: 477327). An algorithm developed to predict the effect of missense changes on protein structure and function outputs the following: PolyPhen-2: "Possibly Damaging". The tryptophan amino acid residue is found in multiple mammalian species, which suggests that this missense change does not adversely affect protein function. In summary, the available evidence is currently insufficient to determine the role of this variant in disease. Therefore, it has been classified as a Variant of Uncertain Significance.

Color Diagnostics, LLC DBA Color Health
Classification: Uncertain significance for Multiple endocrine neoplasia, type 2. Last evaluated: 2025-09-10. Review status: criteria provided, single submitter. Criteria: ACMG Guidelines, 2015. Collection method: clinical testing. Allele origin: germline.
Comment: This missense variant replaces arginine with tryptophan at codon 600 of the RET protein. Computational prediction suggests that this variant may not impact protein structure and function. To our knowledge, functional studies have not been reported for this variant. This variant has not been reported in individuals affected with RET-related disorders in the literature. This variant has been identified in 1/244856 chromosomes in the general population by the Genome Aggregation Database (gnomAD). The available evidence is insufficient to determine the role of this variant in disease conclusively. Therefore, this variant is classified as a Variant of Uncertain Significance.

Cambridge Genomics Laboratory, East Genomic Laboratory Hub, NHS Genomic Medicine Service
Classification: Uncertain significance for Familial hyperparathyroidism or Hypocalciuric hypercalcaemia. Last evaluated: 2024-08-27. Review status: criteria provided, single submitter. Criteria: ACGS Best Practice Guidelines for Variant Classification in Rare Disease 2020. Collection method: clinical testing. Allele origin: germline. Affected: yes.
Comment: PM2,BP4

Ambry Genetics
Classification: Likely benign for Hereditary cancer-predisposing syndrome. Last evaluated: 2023-03-29. Review status: criteria provided, single submitter. Criteria: Ambry Variant Classification Scheme 2023. Collection method: clinical testing. Allele origin: germline.

Fulgent Genetics
Classification: Uncertain significance for Hirschsprung disease, susceptibility to, 1; Familial medullary thyroid carcinoma; Multiple endocrine neoplasia type 2B; Pheochromocytoma; Multiple endocrine neoplasia type 2A. Last evaluated: 2022-03-01. Review status: criteria provided, single submitter. Criteria: ACMG Guidelines, 2015. Collection method: clinical testing. Allele origin: unknown.

Illumina Laboratory Services, Illumina
Classification: Uncertain significance for Hirschsprung disease, susceptibility to, 1. Last evaluated: 2018-01-13. Review status: criteria provided, single submitter. Criteria: ICSL Variant Classification Criteria 13 December 2019. Collection method: clinical testing. Allele origin: germline.

Illumina Laboratory Services, Illumina
Classification: Uncertain significance for Pheochromocytoma. Last evaluated: 2018-01-13. Review status: criteria provided, single submitter. Criteria: ICSL Variant Classification Criteria 13 December 2019. Collection method: clinical testing. Allele origin: germline.

Illumina Laboratory Services, Illumina
Classification: Uncertain significance for Multiple endocrine neoplasia. Last evaluated: 2018-01-13. Review status: criteria provided, single submitter. Criteria: ICSL Variant Classification Criteria 13 December 2019. Collection method: clinical testing. Allele origin: germline.

Illumina Laboratory Services, Illumina
Classification: Uncertain significance for Renal hypodysplasia/aplasia 1. Last evaluated: 2018-01-13. Review status: criteria provided, single submitter. Criteria: ICSL Variant Classification Criteria 13 December 2019. Collection method: clinical testing. Allele origin: germline.